The following is an entry in ClinVar:

ClinVar aggregate classification (germline): Uncertain significance. Review status: criteria provided, multiple submitters, no conflicts (2 of 4 stars). 2 submissions from 2 submitters: Uncertain significance (2). Last evaluated 2023-01-26.

Conditions:
FGFR2-related craniosynostosis. Identifiers: MedGen CN231480.
Inborn genetic diseases. Identifiers: MedGen C0950123, MeSH D030342.

Allele frequency attached by ClinVar (database versions not stated): gnomAD exomes 0.00002.
gnomAD v4.1: 24 of 1,614,140 alleles (0.0015%); highest among the groups gnomAD compares: South Asian, 0.0033%; no homozygotes.

Submissions (2):

Ambry Genetics
Classification: Uncertain significance for Inborn genetic diseases. Last evaluated: 2023-01-26. Review status: criteria provided, single submitter. Criteria: Ambry Variant Classification Scheme 2023. Collection method: clinical testing. Allele origin: germline.

Labcorp Genetics (formerly Invitae), Labcorp
Classification: Uncertain significance for FGFR2-related craniosynostosis. Last evaluated: 2023-01-16. Review status: criteria provided, single submitter. Criteria: Invitae Variant Classification Sherloc (09022015). Collection method: clinical testing. Allele origin: germline.
Comment: In summary, the available evidence is currently insufficient to determine the role of this variant in disease. Therefore, it has been classified as a Variant of Uncertain Significance. Algorithms developed to predict the effect of missense changes on protein structure and function (SIFT, PolyPhen-2, Align-GVGD) all suggest that this variant is likely to be tolerated. This variant has not been reported in the literature in individuals affected with FGFR2-related conditions. This variant is not present in population databases (gnomAD no frequency). This sequence change replaces leucine, which is neutral and non-polar, with valine, which is neutral and non-polar, at codon 451 of the FGFR2 protein (p.Leu451Val).

NM_000141.5(FGFR2):c.1351C>G (p.Leu451Val)

Gene: FGFR2 (fibroblast growth factor receptor 2; minus strand). Cytogenetic location: 10q26.13.
Variant type: single nucleotide variant.
Coding change: c.1351C>G on transcript NM_000141.5 (MANE Select); coding-DNA position 1351, C replaced by G.
Protein change: p.Leu451Val; replaces leucine 451 with valine.
Molecular consequence: missense variant. On other transcripts: non-coding transcript variant (1).
Genome position (GRCh38, 1-based): chr10:121,503,878, G>C on the plus strand (C>G on the coding strand, the complement: FGFR2 is on the minus strand). VCF-style: chr10-121503878-G-C. GRCh37 (hg19) VCF-style: chr10-123263392-G-C.
Other names: c.1354C>G, p.Leu452Val (NM_001144913.1, NM_022970.4); c.1015C>G, p.Leu339Val (NM_001144914.1); c.1084C>G, p.Leu362Val (NM_001144915.2, NM_023029.3); c.1006C>G, p.Leu336Val (NM_001144916.2); c.1003C>G, p.Leu335Val (NM_001144917.2); c.1000C>G, p.Leu334Val (NM_001144918.2); c.1087C>G, p.Leu363Val (NM_001144919.2); c.667C>G, p.Leu223Val (NM_001320654.2); and 1 more; short protein forms L223V, L334V, L335V, L336V, L449V, L451V, L363V, L452V.
Identifiers: ClinVar variation 2479385 (VCV002479385.5), dbSNP rs1847922108, ClinGen allele CA378325273.